The following is an entry in ClinVar:

NM_206933.4(USH2A):c.11266G>A (p.Gly3756Ser)

Gene: USH2A (usherin; minus strand). Cytogenetic location: 1q41.
Variant type: single nucleotide variant.
Coding change: c.11266G>A on transcript NM_206933.4 (MANE Select); coding-DNA position 11266, G replaced by A.
Protein change: p.Gly3756Ser; replaces glycine 3756 with serine.
Molecular consequence: missense variant.
Genome position (GRCh38, 1-based): chr1:215,758,718, C>T on the plus strand (G>A on the coding strand, the complement: USH2A is on the minus strand). VCF-style: chr1-215758718-C-T. GRCh37 (hg19) VCF-style: chr1-215932060-C-T.
Other names: short protein forms G3756S.
Identifiers: ClinVar variation 2157820 (VCV002157820.6), dbSNP rs2465089267, ClinGen allele CA344821097.
Genomic context (GRCh38, chr1:215,758,718, plus strand): 5'-AGATTTCTTCTGGTGTTGACATAGGTGTTTGAACAATGTAATCATCACTAGCACTGCTGC[C>T]ACCTCCAGTTTTGACTTCTAACTTGTAAGTGTATCTATATTTAAAAAGAAAGAAGAATTG-3'
Protein context (NP_996816.3, residues 3746-3766): TYKLEVKTGG[Gly3756Ser]SSASDDYIVQ

ClinVar aggregate classification (germline): Likely pathogenic. Review status: criteria provided, multiple submitters, no conflicts (2 of 4 stars). 3 submissions from 3 submitters: Likely pathogenic (3). Last evaluated 2023-12-29.

Conditions:
USH2A-related disorder. Also called: USH2A-related condition; USH2A-related disorders. Identifiers: MedGen CN239332.
Retinal dystrophy. Also called: Inherited retinal dystrophy. Identifiers: Orphanet 71862, MedGen C0854723, MeSH D058499, MONDO:0019118, HP:0000556.

Submissions (3):

Blueprint Genetics
Classification: Likely pathogenic for USH2A-related disorders. Last evaluated: 2023-12-29. Review status: criteria provided, single submitter. Criteria: ACMG Guidelines, 2015. Collection method: clinical testing. Allele origin: germline. Affected: yes. Observed: 2 variant alleles.

Labcorp Genetics (formerly Invitae), Labcorp
Classification: Likely pathogenic. Last evaluated: 2023-08-17. Review status: criteria provided, single submitter. Criteria: Invitae Variant Classification Sherloc (09022015). Collection method: clinical testing. Allele origin: germline.
Comment: This sequence change replaces glycine, which is neutral and non-polar, with serine, which is neutral and polar, at codon 3756 of the USH2A protein (p.Gly3756Ser). This variant is not present in population databases (gnomAD no frequency). This missense change has been observed in individual(s) with clinical features of autosomal recessive retinitis pigmentosa and/or USH2A-related conditions (PMID: 30924848, 35266249). In at least one individual the data is consistent with being in trans (on the opposite chromosome) from a pathogenic variant. ClinVar contains an entry for this variant (Variation ID: 2157820). Advanced modeling of protein sequence and biophysical properties (such as structural, functional, and spatial information, amino acid conservation, physicochemical variation, residue mobility, and thermodynamic stability) performed at Invitae indicates that this missense variant is expected to disrupt USH2A protein function. Algorithms developed to predict the effect of sequence changes on RNA splicing suggest that this variant may disrupt the consensus splice site. In summary, the currently available evidence indicates that the variant is pathogenic, but additional data are needed to prove that conclusively. Therefore, this variant has been classified as Likely Pathogenic.

Institute of Human Genetics, Univ. Regensburg, Univ. Regensburg
Classification: Likely pathogenic for Retinal dystrophy. Last evaluated: 2017-01-01. Review status: criteria provided, single submitter. Criteria: ACMG Guidelines, 2015. Collection method: clinical testing. Allele origin: germline. Affected: yes.

Literature cited by the submitters: PubMed 30924848 (cited by Labcorp Genetics (formerly Invitae), Labcorp and Institute of Human Genetics, Univ. Regensburg, Univ. Regensburg); PubMed 35266249 (cited by Labcorp Genetics (formerly Invitae), Labcorp); PubMed 3526624 (cited by Institute of Human Genetics, Univ. Regensburg, Univ. Regensburg).